The following is an entry in ClinVar:

NM_006230.4(POLD2):c.1199A>G (p.His400Arg)

Gene: POLD2 (DNA polymerase delta 2, accessory subunit; minus strand). Cytogenetic location: 7p13.
Variant type: single nucleotide variant.
Coding change: c.1199A>G on transcript NM_006230.4 (MANE Select); coding-DNA position 1199, A replaced by G.
Protein change: p.His400Arg; replaces histidine 400 with arginine.
Molecular consequence: missense variant.
Genome position (GRCh38, 1-based): chr7:44,115,345, T>C on the plus strand (A>G on the coding strand, the complement: POLD2 is on the minus strand). VCF-style: chr7-44115345-T-C. GRCh37 (hg19) VCF-style: chr7-44154944-T-C.
Other names: c.1199A>G, p.His400Arg (NM_001127218.3, NM_001256879.2); short protein forms H400R.
Identifiers: ClinVar variation 3631981 (VCV003631981.2).

ClinVar aggregate classification (germline): Uncertain significance (1 of 4 stars; one submission).

Submission:

Labcorp Genetics (formerly Invitae), Labcorp
Classification: Uncertain significance. Last evaluated: 2024-04-02. Review status: criteria provided, single submitter. Criteria: Invitae Variant Classification Sherloc (09022015). Collection method: clinical testing. Allele origin: germline.
Comment: This sequence change replaces histidine, which is basic and polar, with arginine, which is basic and polar, at codon 435 of the POLD2 protein (p.His435Arg). This variant is not present in population databases (gnomAD no frequency). This variant has not been reported in the literature in individuals affected with POLD2-related conditions. Experimental studies and prediction algorithms are not available or were not evaluated, and the functional significance of this variant is currently unknown. In summary, the available evidence is currently insufficient to determine the role of this variant in disease. Therefore, it has been classified as a Variant of Uncertain Significance.